The following is an entry in ClinVar:

NM_004944.4(DNASE1L3):c.385G>T (p.Val129Leu)

Gene: DNASE1L3 (deoxyribonuclease 1L3; minus strand). Cytogenetic location: 3p14.3.
Variant type: single nucleotide variant.
Coding change: c.385G>T on transcript NM_004944.4 (MANE Select); coding-DNA position 385, G replaced by T.
Protein change: p.Val129Leu; replaces valine 129 with leucine.
Molecular consequence: missense variant.
Genome position (GRCh38, 1-based): chr3:58,204,817, C>A on the plus strand (G>T on the coding strand, the complement: DNASE1L3 is on the minus strand). VCF-style: chr3-58204817-C-A. GRCh37 (hg19) VCF-style: chr3-58190544-C-A.
Other names: c.295G>T, p.Val99Leu (NM_001256560.2); short protein forms V129L, V99L.
Identifiers: ClinVar variation 1046749 (VCV001046749.5), dbSNP rs2097402932, ClinGen allele CA353340064.
Genomic context (GRCh38, chr3:58,204,817, plus strand): 5'-TGTGGGTCTTACCAGTGTGGGGAGATTGGAACCAGACCACAAAGGGCTCCCTGGAAAACA[C>A]ATCTGCGTCTCCATCCTGATAGTCATGGTAGTGATAACTCCTCTTCACAGACACCAGCTT-3'
Protein context (NP_004935.1, residues 119-139): YHDYQDGDAD[Val129Leu]FSREPFVVWF

ClinVar aggregate classification (germline): Uncertain significance (1 of 4 stars; one submission).

Allele frequency attached by ClinVar (database versions not stated): TOPMed below 0.00001.

Submission:

Labcorp Genetics (formerly Invitae), Labcorp
Classification: Uncertain significance. Last evaluated: 2024-10-22. Review status: criteria provided, single submitter. Criteria: Invitae Variant Classification Sherloc (09022015). Collection method: clinical testing. Allele origin: germline.
Comment: This sequence change replaces valine, which is neutral and non-polar, with leucine, which is neutral and non-polar, at codon 129 of the DNASE1L3 protein (p.Val129Leu). This variant is not present in population databases (gnomAD no frequency). This variant has not been reported in the literature in individuals affected with DNASE1L3-related conditions. ClinVar contains an entry for this variant (Variation ID: 1046749). An algorithm developed to predict the effect of missense changes on protein structure and function (PolyPhen-2) suggests that this variant is likely to be disruptive. In summary, the available evidence is currently insufficient to determine the role of this variant in disease. Therefore, it has been classified as a Variant of Uncertain Significance.